The following is an entry in ClinVar:

NM_006947.4(SRP72):c.878G>T (p.Gly293Val)

Gene: SRP72 (signal recognition particle 72; plus strand). Cytogenetic location: 4q12.
Variant type: single nucleotide variant.
Coding change: c.878G>T on transcript NM_006947.4 (MANE Select); coding-DNA position 878, G replaced by T.
Protein change: p.Gly293Val; replaces glycine 293 with valine.
Molecular consequence: missense variant. On other transcripts: non-coding transcript variant (1).
Genome position (GRCh38, 1-based): chr4:56,483,191, G>T. VCF-style: chr4-56483191-G-T. GRCh37 (hg19) VCF-style: chr4-57349357-G-T.
Other names: c.695G>T, p.Gly232Val (NM_001267722.2); short protein forms G293V, G232V.
Identifiers: ClinVar variation 3449437 (VCV003449437.1).

ClinVar aggregate classification (germline): Uncertain significance (1 of 4 stars; one submission).

gnomAD v4.1: 1 of 1,612,016 alleles (0.000062%); highest among the groups gnomAD compares: East Asian, 0.0022%; no homozygotes.

Submission:

Ambry Genetics
Classification: Uncertain significance. Last evaluated: 2024-12-09. Review status: criteria provided, single submitter. Criteria: Ambry Variant Classification Scheme 2023. Collection method: clinical testing. Allele origin: germline.
Comment: The p.G293V variant (also known as c.878G>T), located in coding exon 9 of the SRP72 gene, results from a G to T substitution at nucleotide position 878. The glycine at codon 293 is replaced by valine, an amino acid with dissimilar properties. This amino acid position is conserved. In addition, this alteration is predicted to be deleterious by in silico analysis. Based on the available evidence, the clinical significance of this variant remains unclear.